The following is an entry in ClinVar:

ClinVar aggregate classification (germline): Likely pathogenic. Review status: criteria provided, multiple submitters, no conflicts (2 of 4 stars). 4 submissions from 4 submitters: Likely pathogenic (2). 2 of the submissions do not count toward it. Last evaluated 2025-01-06.

Conditions:
Hydatidiform mole, recurrent, 1 (HYDM1). Identifiers: Orphanet 254688, Orphanet 99927, MedGen C3463897, MONDO:0009273, OMIM 231090. Disease mechanism: loss of function.

Allele frequency attached by ClinVar (database versions not stated): gnomAD 0.00044 and 0.00048; 1000 Genomes Project 0.00060; gnomAD exomes 0.00006 and 0.00014; ExAC 0.00018; TOPMed 0.00046; 1000 Genomes Project 30x 0.00078.
gnomAD v4.1: 155 of 1,612,560 alleles (0.0096%); highest among the groups gnomAD compares: African/African-American, 0.15%; no homozygotes.

Submissions (4):

First Genomix Gene Laboratory, Genetic Diagnostics Department
Classification: Likely pathogenic for Hydatidiform mole, recurrent, 1. Last evaluated: 2025-01-06. Review status: criteria provided, single submitter. Criteria: ACMG Guidelines, 2015. Collection method: clinical testing. Allele origin: germline. Inheritance: Autosomal recessive inheritance. Affected: no. Observed: 1 variant allele.

Fulgent Genetics
Classification: Likely pathogenic for Hydatidiform mole, recurrent, 1. Last evaluated: 2021-10-12. Review status: criteria provided, single submitter. Criteria: ACMG Guidelines, 2015. Collection method: clinical testing. Allele origin: unknown.

OMIM
Classification: Pathogenic for HYDATIDIFORM MOLE, RECURRENT, 1. Last evaluated: 2009-09-01. Review status: no assertion criteria provided. Collection method: literature only. Allele origin: germline. Not counted in ClinVar's aggregate classification.

Unité médicale des maladies autoinflammatoires, CHRU Montpellier
No classification provided. Condition: Hydatidiform mole. Review status: no classification provided. Collection method: not provided. Allele origin: unknown. Not counted in ClinVar's aggregate classification.

Literature cited by the submitters: PubMed 16462743 (cited by OMIM); PubMed 19246479 (cited by OMIM); PubMed 19650864 (cited by OMIM).

NM_001127255.2(NLRP7):c.2738A>G (p.Asn913Ser)

Genes: NCR1 (natural cytotoxicity triggering receptor 1), NLRP7 (NLR family pyrin domain containing 7; minus strand). Cytogenetic location: 19q13.42.
Variant type: single nucleotide variant.
Coding change: c.2738A>G on transcript NM_001127255.2 (MANE Select); coding-DNA position 2738, A replaced by G.
Protein change: p.Asn913Ser; replaces asparagine 913 with serine.
Molecular consequence: missense variant.
Genome position (GRCh38, 1-based): chr19:54,930,571, T>C on the plus strand (A>G on the coding strand, the complement: NLRP7 is on the minus strand). VCF-style: chr19-54930571-T-C. GRCh37 (hg19) VCF-style: chr19-55441939-T-C.
Other names: c.2738A>G, p.Asn913Ser (NM_001405531.1, NM_206828.4); c.2654A>G, p.Asn885Ser (NM_139176.4); short protein forms N913S, N885S.
Identifiers: ClinVar variation 1588 (VCV000001588.5), dbSNP rs104895503, ClinGen allele CA115081.